The following is an entry in ClinVar:

NM_001098816.3(TENM4):c.5419G>A (p.Gly1807Ser)

Gene: TENM4 (teneurin transmembrane protein 4; minus strand). Cytogenetic location: 11q14.1.
Variant type: single nucleotide variant.
Coding change: c.5419G>A on transcript NM_001098816.3 (MANE Select); coding-DNA position 5419, G replaced by A.
Protein change: p.Gly1807Ser; replaces glycine 1807 with serine.
Molecular consequence: missense variant.
Genome position (GRCh38, 1-based): chr11:78,676,229, C>T on the plus strand (G>A on the coding strand, the complement: TENM4 is on the minus strand). VCF-style: chr11-78676229-C-T. GRCh37 (hg19) VCF-style: chr11-78387274-C-T.
Other names: p.Gly1807Ser; short protein forms G1807S.
Identifiers: ClinVar variation 2369553 (VCV002369553.5), dbSNP rs202020330, ClinGen allele CA6206619.

ClinVar aggregate classification (germline): Uncertain significance. Review status: criteria provided, multiple submitters, no conflicts (2 of 4 stars). 4 submissions from 4 submitters: Uncertain significance (4). Last evaluated 2023-12-19.

Conditions:
Tremor, hereditary essential, 5 (ETM5). Identifiers: MedGen C4225223, MONDO:0014756, OMIM 616736.

Allele frequency attached by ClinVar (database versions not stated): ESP Exome Variant Server 0.00008; gnomAD 0.00031; gnomAD exomes 0.00044; 1000 Genomes Project 0.00100; 1000 Genomes Project 30x 0.00109.
gnomAD v4.1: 684 of 1,604,110 alleles (0.043%); highest among the groups gnomAD compares: South Asian, 0.37%; 2 homozygotes.

Submissions (4):

Mayo Clinic Laboratories, Mayo Clinic
Classification: Uncertain significance. Last evaluated: 2023-12-19. Review status: criteria provided, single submitter. Criteria: ACMG Guidelines, 2015. Collection method: clinical testing. Allele origin: germline. Observed: 1 variant allele.
Comment: BS1

Neuberg Centre For Genomic Medicine, NCGM
Classification: Uncertain significance for Tremor, hereditary essential, 5. Last evaluated: 2023-03-01. Review status: criteria provided, single submitter. Criteria: ACMG Guidelines, 2015. Collection method: clinical testing. Allele origin: germline. Inheritance: Autosomal dominant inheritance. Affected: yes.
Comment: The missense variant c.5419G>A (p.Gly1807Ser) in the TENM4 gene has not been reported previously as a pathogenic variant nor as a benign variant, to our knowledge. This variant is reported with the allele frequency (0.05%) in the gnomAD Exomes and novel (not in any individuals) in 1000 Genomes. This variant has been reported to the ClinVar database as Uncertain Significance. However, no details are available for independent assessment. The amino acid Glycine at position 1807 is changed to a Serine changing protein sequence and it might alter its composition and physico- chemical properties. The amino acid change p.Gly1807Ser in TENM4 is predicted as conserved by GERP++ and PhyloP across 100 vertebrates. For these reasons, this variant has been classified as Uncertain Significance.

Ambry Genetics
Classification: Uncertain significance. Last evaluated: 2022-02-02. Review status: criteria provided, single submitter. Criteria: Ambry Variant Classification Scheme 2023. Collection method: clinical testing. Allele origin: germline.

Department of Pathology and Laboratory Medicine, Sinai Health System
Classification: Uncertain significance for Tremor, hereditary essential, 5. Last evaluated: 2021-09-12. Review status: criteria provided, single submitter. Criteria: ACMG Guidelines, 2015. Collection method: research. Allele origin: germline.